The following is an entry in ClinVar:

NM_000051.4(ATM):c.8833_8834del (p.Leu2945fs)

Genes: ATM (ATM serine/threonine kinase; plus strand), C11orf65 (chromosome 11 open reading frame 65; minus strand). Cytogenetic location: 11q22.3.
Variant type: Microsatellite.
Coding change: c.8833_8834del on transcript NM_000051.4 (MANE Select); coding-DNA positions 8833 to 8834, 2 bases deleted (CT; older notation c.8833_8834delCT).
Protein change: p.Leu2945fs; shifts the reading frame from leucine 2945.
Molecular consequence: frameshift variant. On other transcripts: intron variant (2).
Genome position (GRCh38, 1-based): chr11:108,354,857-108,354,858, CT deleted; deleting any 2 consecutive bases within chr11:108,354,855-108,354,858 gives the same sequence; the c. name uses the placement nearest the transcript's 3' end. VCF-style (leftmost placement, unchanged base first): chr11-108354854-ACT-A. GRCh37 (hg19) VCF-style: chr11-108225581-ACT-A.
Other names: c.8833_8834del (NM_000051.3); c.8833_8834delCT (NM_000051.3); c.8833_8834del, p.Leu2945fs (NM_001351834.2); c.640+31064_640+31065del (NM_001330368.2); c.695-19564_695-19563del (NM_001351110.2); short protein forms L2945fs.
Identifiers: ClinVar variation 186546 (VCV000186546.27), dbSNP rs786203030, ClinGen allele CA195135.
Genomic context (GRCh38, chr11:108,354,854, plus strand): 5'-AATGTGTTTGACTCTAGATGCTGTGAGAAAACCATGGAAGTGATGAGAAACTCTCAGGAA[ACT>A]CTGTTAACCATTGTAGAGGTAAAGTATTTTATAAGGAAGACTTTATTTTTTTTCTTACCA-3'

ClinVar aggregate classification (germline): Pathogenic. Review status: criteria provided, multiple submitters, no conflicts (2 of 4 stars). 9 submissions from 9 submitters: Pathogenic (9). Last evaluated 2026-01-14.

Conditions:
Hereditary cancer-predisposing syndrome. Also called: Hereditary Cancer Syndrome; Tumor predisposition; Neoplastic Syndromes, Hereditary; Hereditary neoplastic syndrome. Identifiers: Orphanet 140162, MedGen C0027672, MeSH D009386, MONDO:0015356.
Ataxia-telangiectasia syndrome (AT). Also called: ATAXIA-TELANGIECTASIA, COMPLEMENTATION GROUP A; ATAXIA-TELANGIECTASIA, FRESNO VARIANT; Ataxia-telangiectasia; Ataxia-telangiectasia, complementation group E; Cerebello-oculocutaneous telangiectasia; Immunodeficiency with ataxia telangiectasia. Identifiers: Orphanet 100, MedGen C0004135, MONDO:0008840, OMIM 208900.
Familial cancer of breast. Also called: hereditary breast carcinoma; BREAST CANCER, FAMILIAL; Hereditary breast cancer. Identifiers: Orphanet 227535, MedGen C0346153, MONDO:0016419, OMIM 114480. Disease mechanism: loss of function.

Submissions (9):

Labcorp Genetics (formerly Invitae), Labcorp
Classification: Pathogenic for Ataxia-telangiectasia syndrome. Last evaluated: 2026-01-14. Review status: criteria provided, single submitter. Criteria: Invitae Variant Classification Sherloc (09022015). Collection method: clinical testing. Allele origin: germline.
Comment: This sequence change creates a premature translational stop signal (p.Leu2945Valfs*10) in the ATM gene. It is expected to result in an absent or disrupted protein product. Loss-of-function variants in ATM are known to be pathogenic (PMID: 23807571, 25614872). This variant is present in population databases (rs786203030, gnomAD 0.0009%). This premature translational stop signal has been observed in individual(s) with ataxia-telangiectasia (PMID: 8659541, 10817650, 17124347, 27599564, 29271107). ClinVar contains an entry for this variant (Variation ID: 186546). For these reasons, this variant has been classified as Pathogenic.

Ambry Genetics
Classification: Pathogenic for Hereditary cancer-predisposing syndrome. Last evaluated: 2025-05-20. Review status: criteria provided, single submitter. Criteria: Ambry Variant Classification Scheme 2023. Collection method: clinical testing. Allele origin: germline.
Comment: The c.8833_8834delCT pathogenic mutation, located in coding exon 60 of the ATM gene, results from a deletion of two nucleotides at nucleotide positions 8833 to 8834, causing a translational frameshift with a predicted alternate stop codon (p.L2945Vfs*10). This mutation has been previously identified in multiple ataxia-telangiectasia patients (Telatar, M et al. Am J Hum Genet. 1996 Jul;59(1):40-4; Li, A & Swift, M. Am J Med Genet. 2000 May 29;92(3):170-7; Magliozzi, M et al. Dis Markers. 2006;22(4):257-64; Chessa, L et al. Ann Hum Genet. 2009 Sep;73(Pt 5):532-9). This variant has also been identified in the heterozygous state in individuals diagnosed with breast cancer (Prodosmo A et al. J. Exp. Clin. Cancer Res. 2016 09;35:135; Coppa A et al. Cancer Med. 2018 01;7:46-55). This variant is considered to be rare based on population cohorts in the Genome Aggregation Database (gnomAD). In addition to the clinical data presented in the literature, this alteration is expected to result in loss of function by premature protein truncation or nonsense-mediated mRNA decay. As such, this alteration is interpreted as a disease-causing mutation.

GeneDx
Classification: Pathogenic. Last evaluated: 2025-02-04. Review status: criteria provided, single submitter. Criteria: GeneDx Variant Classification Process June 2021. Collection method: clinical testing. Allele origin: germline. Affected: yes.
Comment: Reported previously in the heterozygous state in individuals with ATM-related cancers (PMID: 27599564, 29271107, 32338768, 32853339, 33436325); Frameshift variant predicted to result in protein truncation or nonsense mediated decay in a gene for which loss of function is a known mechanism of disease; Not observed at significant frequency in large population cohorts (gnomAD); This variant is associated with the following publications: (PMID: 9443866, 17124347, 33804961, 19691550, 10817650, 27599564, 27304073, 29271107, 31263571, 32853339, 33436325, 32338768, 38616383, 37667293, 29922827, 34887416, 8659541)

Genomic Medicine Center of Excellence, King Faisal Specialist Hospital and Research Centre
Classification: Pathogenic for Ataxia-telangiectasia syndrome. Last evaluated: 2024-09-22. Review status: criteria provided, single submitter. Criteria: ACMG Guidelines, 2015. Collection method: clinical testing. Allele origin: germline.

Centre for Inherited Metabolic Diseases, Karolinska University Hospital
Classification: Pathogenic for Ataxia-telangiectasia syndrome. Last evaluated: 2024-03-01. Review status: criteria provided, single submitter. Criteria: ACMG Guidelines, 2015. Collection method: clinical testing. Allele origin: inherited. Inheritance: Autosomal recessive inheritance. Affected: yes. Observed: 1 compound heterozygote.

Baylor Genetics
Classification: Pathogenic for Familial cancer of breast. Last evaluated: 2024-02-22. Review status: criteria provided, single submitter. Criteria: ACMG Guidelines, 2015. Collection method: clinical testing. Allele origin: unknown.

Myriad Genetics, Inc.
Classification: Pathogenic for Familial cancer of breast. Last evaluated: 2024-02-05. Review status: criteria provided, single submitter. Criteria: Myriad Autosomal Dominant, Autosomal Recessive and X-Linked Classification Criteria (2023). Collection method: clinical testing. Allele origin: unknown.
Comment: This variant is considered pathogenic. This variant creates a frameshift predicted to result in premature protein truncation.

Color Diagnostics, LLC DBA Color Health
Classification: Pathogenic for Hereditary cancer-predisposing syndrome. Last evaluated: 2023-11-06. Review status: criteria provided, single submitter. Criteria: ACMG Guidelines, 2015. Collection method: clinical testing. Allele origin: germline.
Comment: This variant deletes 2 nucleotides in exon 61 of the ATM gene, creating a frameshift and premature translation stop signal. This variant is expected to result in an absent or non-functional protein product. This variant has been shown to segregate with breast cancer in three individuals from a family (PMID: 29271107) and has been reported in an individual affected with early-onset breast cancer (PMID: 27599564). In addition, this variant has been observed in individuals affected with ataxia-telangiectasia (PMID: 8659541, 10817650, 17124347, 19691550). This variant has been identified in 1/251406 chromosomes in the general population by the Genome Aggregation Database (gnomAD). Loss of ATM function is a known mechanism of disease. Based on the available evidence, this variant is classified as Pathogenic.

Women's Health and Genetics/Laboratory Corporation of America, LabCorp
Classification: Pathogenic for Ataxia-telangiectasia syndrome. Last evaluated: 2019-03-11. Review status: criteria provided, single submitter. Criteria: LabCorp Variant Classification Summary - May 2015. Collection method: clinical testing. Allele origin: germline.
Comment: Variant summary: ATM c.8833_8834delCT (p.Leu2945ValfsX10) results in a premature termination codon, predicted to cause a truncation of the encoded protein or absence of the protein due to nonsense mediated decay, which are commonly known mechanisms for disease. The variant allele was found at a frequency of 4.1e-06 in 246178 control chromosomes (gnomAD). c.8833_8834delCT has been reported in the literature in individuals affected with Ataxia-Telangiectasia (Telatar 1998 , Li 2000, Tangsinmankong 2001, Magliozzi 2006). These data indicate that the variant is likely to be associated with disease. Two ClinVar submissions from clinical diagnostic laboratories (evaluation after 2014) cite the variant as pathogenic. Based on the evidence outlined above, the variant was classified as pathogenic.

Literature cited by the submitters: PubMed 23807571 (cited by Labcorp Genetics (formerly Invitae), Labcorp); PubMed 25614872 (cited by Labcorp Genetics (formerly Invitae), Labcorp); PubMed 8659541 (cited by Labcorp Genetics (formerly Invitae), Labcorp and Color Diagnostics, LLC DBA Color Health); PubMed 10817650 (cited by 3 submitters); PubMed 17124347 (cited by 3 submitters); PubMed 27599564 (cited by 3 submitters); PubMed 29271107 (cited by 3 submitters); PubMed 19691550 (cited by Color Diagnostics, LLC DBA Color Health); PubMed 9443866 (cited by Women's Health and Genetics/Laboratory Corporation of America, LabCorp); PubMed 11391347 (cited by Women's Health and Genetics/Laboratory Corporation of America, LabCorp).